The following is an entry in ClinVar:

NM_001844.5(COL2A1):c.655-2A>G

Gene: COL2A1 (collagen type II alpha 1 chain; minus strand). Cytogenetic location: 12q13.11.
Variant type: single nucleotide variant.
Coding change: c.655-2A>G on transcript NM_001844.5 (MANE Select); the canonical splice acceptor site of the intron before coding-DNA position 655, A replaced by G.
Molecular consequence: splice acceptor variant.
Genome position (GRCh38, 1-based): chr12:47,995,765, T>C on the plus strand (A>G on the coding strand, the complement: COL2A1 is on the minus strand). VCF-style: chr12-47995765-T-C. GRCh37 (hg19) VCF-style: chr12-48389548-T-C.
Other names: c.448-2A>G (NM_033150.3).
Identifiers: ClinVar variation 2627375 (VCV002627375.3), dbSNP rs2136618395, ClinGen allele CA384523810.
Genomic context (GRCh38, chr12:47,995,765, plus strand): 5'-CTCACAGAGACACCAGGTTCACCAGGTTCACCAGGATTGCCTTGAAATCCTTGAGGCCCC[T>C]AAAAAGTAAAATGAGGATACCAGGTCAATCCCTATAAACTGCTAAAACATCATAGTGCTT-3'

ClinVar aggregate classification (germline): Pathogenic (0 of 4 stars; one submission).

Conditions:
Stickler syndrome type 1 (STL1). Also called: COL2A1-Related Stickler Syndrome; STICKLER SYNDROME, MEMBRANOUS VITREOUS TYPE; STICKLER SYNDROME, VITREOUS TYPE 1; ARTHROOPHTHALMOPATHY, HEREDITARY PROGRESSIVE. Identifiers: Orphanet 828, Orphanet 90653, MedGen C2020284, MONDO:0007160, OMIM 108300.

Submission:

Department of Pediatrics, The First Affiliated Hospital of Wenzhou Medical University
Classification: Pathogenic for Stickler syndrome type 1. Review status: no assertion criteria provided. Collection method: research. Allele origin: de novo, not applicable. Inheritance: Autosomal dominant inheritance. Affected: yes. Observed: 1 heterozygote. Functional consequence: effect on RNA splicing.
Comment: Stickler Syndrome (SS) is a multisystem collagenopathy frequently encountered by ophthalmologists due to the high rate of ocular complications. Stickler Syndrome type I (STL1) is the most common form of SS, accounting for approximately 80–90% of cases . STL1 is the classic AD type, caused by heterozygous pathogenic variants in COL2A1.

Literature cited by the submitters: PubMed 10353778.